The following is an entry in ClinVar:

ClinVar aggregate classification (germline): Uncertain significance (1 of 4 stars; one submission).

Conditions:
Hereditary cancer-predisposing syndrome. Also called: Hereditary Cancer Syndrome; Tumor predisposition; Hereditary neoplastic syndrome; Neoplastic Syndromes, Hereditary. Identifiers: Orphanet 140162, MedGen C0027672, MeSH D009386, MONDO:0015356.

Submission:

Ambry Genetics
Classification: Uncertain significance for Hereditary cancer-predisposing syndrome. Last evaluated: 2024-04-04. Review status: criteria provided, single submitter. Criteria: Ambry Variant Classification Scheme 2023. Collection method: clinical testing. Allele origin: germline.
Comment: The p.T334S variant (also known as c.1000A>T), located in coding exon 11 of the CDC73 gene, results from an A to T substitution at nucleotide position 1000. The threonine at codon 334 is replaced by serine, an amino acid with similar properties. This amino acid position is conserved. In addition, this alteration is predicted to be tolerated by in silico analysis. Based on the available evidence, the clinical significance of this variant remains unclear.

NM_024529.5(CDC73):c.1000A>T (p.Thr334Ser)

Gene: CDC73 (cell division cycle 73; plus strand). Cytogenetic location: 1q31.2.
Variant type: single nucleotide variant.
Coding change: c.1000A>T on transcript NM_024529.5 (MANE Select); coding-DNA position 1000, A replaced by T.
Protein change: p.Thr334Ser; replaces threonine 334 with serine.
Molecular consequence: missense variant.
Genome position (GRCh38, 1-based): chr1:193,203,822, A>T. VCF-style: chr1-193203822-A-T. GRCh37 (hg19) VCF-style: chr1-193172952-A-T.
Other names: short protein forms T334S.
Identifiers: ClinVar variation 3265052 (VCV003265052.1).